The following is an entry in ClinVar:

ClinVar aggregate classification (germline): Pathogenic (1 of 4 stars; one submission).

Conditions:
Carnitine palmitoyl transferase 1A deficiency. Also called: Carnitine palmitoyltransferase 1A deficiency; Carnitine palmitoyltransferase type I deficiency; CPT deficiency, hepatic, type IA; CPT I DEFICIENCY; CPT DEFICIENCY, HEPATIC, TYPE I. Identifiers: Orphanet 156, MedGen C1829703, MONDO:0009705, OMIM 255120.

Submission:

Labcorp Genetics (formerly Invitae), Labcorp
Classification: Pathogenic for Carnitine palmitoyl transferase 1A deficiency. Last evaluated: 2023-02-27. Review status: criteria provided, single submitter. Criteria: Invitae Variant Classification Sherloc (09022015). Collection method: clinical testing. Allele origin: unknown.
Comment: For these reasons, this variant has been classified as Pathogenic. This variant disrupts a region of the CPT1A protein in which other variant(s) (p.Ser687Arg) have been determined to be pathogenic (Invitae). This suggests that this is a clinically significant region of the protein, and that variants that disrupt it are likely to be disease-causing. This variant has not been reported in the literature in individuals affected with CPT1A-related conditions. This variant is a gross deletion of the genomic region encompassing exon(s) 11-19 of the CPT1A gene, which includes the termination codon. This deletion extends beyond the assayed region for this gene and therefore may encompass additional genes. While this deletion is not anticipated to lead to nonsense mediated decay, it is expected to alter mRNA translation or result in a truncated protein product.

NC_000011.9:g.(?_68525112)_(68549447_?)del

Gene: CPT1A (carnitine palmitoyltransferase 1A; minus strand). Cytogenetic location: 11q13.3.
Variant type: Deletion.
Identifiers: ClinVar variation 3244609 (VCV003244609.1).